The following is an entry in ClinVar:

NM_001283009.2(RTEL1):c.3155C>T (p.Ala1052Val)

Genes: RTEL1 (regulator of telomere elongation helicase 1; plus strand), RTEL1-TNFRSF6B (RTEL1-TNFRSF6B readthrough (NMD candidate); plus strand). Cytogenetic location: 20q13.33.
Variant type: single nucleotide variant.
Coding change: c.3155C>T on transcript NM_001283009.2 (MANE Select); coding-DNA position 3155, C replaced by T.
Protein change: p.Ala1052Val; replaces alanine 1052 with valine.
Molecular consequence: missense variant. On other transcripts: non-coding transcript variant (1).
Genome position (GRCh38, 1-based): chr20:63,694,786, C>T. VCF-style: chr20-63694786-C-T. GRCh37 (hg19) VCF-style: chr20-62326139-C-T.
Other names: c.2486C>T, p.Ala829Val (NM_001283010.1); c.3155C>T, p.Ala1052Val (NM_016434.4); c.3227C>T, p.Ala1076Val (NM_032957.5); short protein forms A1052V, A1076V, A829V.
Identifiers: ClinVar variation 4060964 (VCV004060964.2).
Genomic context (GRCh38, chr20:63,694,786, plus strand): 5'-CTACTCCCACACCAGGAGACCCTGGCAGCCAACCACAGTGGGGGTCTGGAGTGCCCAGAG[C>T]AGGGAAGCAGGGCCAGCACGCCGTGAGCGCCTACCTGGCTGATGCCCGCAGGGCCCTGGG-3'
Protein context (NP_001269938.1, residues 1042-1062): QPQWGSGVPR[Ala1052Val]GKQGQHAVSA

ClinVar aggregate classification (germline): Uncertain significance. Review status: criteria provided, single submitter (1 of 4 stars). 2 submissions from 2 submitters: Uncertain significance (1). 1 of the submissions does not count toward it. Last evaluated 2025-10-27.

Conditions:
Dyskeratosis congenita. Identifiers: Orphanet 1775, MedGen C0265965, MONDO:0015780.
Inborn genetic diseases. Identifiers: MedGen C0950123, MeSH D030342.

gnomAD v4.1: 1 of 1,611,948 alleles (0.000062%); highest among the groups gnomAD compares: South Asian, 0.0011%; no homozygotes.

Submissions (2):

Ambry Genetics
Classification: Uncertain significance for Inborn genetic diseases. Last evaluated: 2025-10-27. Review status: criteria provided, single submitter. Criteria: Ambry Variant Classification Scheme 2023. Collection method: clinical testing. Allele origin: germline.
Comment: The p.A1052V variant (also known as c.3155C>T), located in coding exon 31 of the RTEL1 gene, results from a C to T substitution at nucleotide position 3155. The alanine at codon 1052 is replaced by valine, an amino acid with similar properties. This amino acid position is conserved. In addition, this alteration is predicted to be tolerated by in silico analysis. Based on the available evidence, the clinical significance of this variant remains unclear.

Natera, Inc.
Classification: Uncertain significance for Dyskeratosis congenita. Last evaluated: 2025-02-03. Review status: no assertion criteria provided. Collection method: clinical testing. Allele origin: germline. Not counted in ClinVar's aggregate classification.